The following is an entry in ClinVar:

ClinVar aggregate classification (germline): Conflicting classifications of pathogenicity. Review status: criteria provided, conflicting classifications (1 of 4 stars). 3 submissions from 3 submitters: Uncertain significance (1); Benign (1). 1 of the submissions does not count toward it. Last evaluated 2024-01-25.

Conditions:
Cataract 6 multiple types. Also called: CATARACT 6, CONGENITAL TOTAL; CATARACT, AGE-RELATED CORTICAL, 2; CATARACT 6, POSTERIOR POLAR. Identifiers: Orphanet 91492, MedGen C1861825, MONDO:0007288, OMIM 116600.
EPHA2-related disorder. Also called: EPHA2-related condition.

Allele frequency attached by ClinVar (database versions not stated): 1000 Genomes Project 30x 0.00016; 1000 Genomes Project 0.00020; gnomAD exomes 0.00020; ExAC 0.00024; gnomAD 0.00025; TOPMed 0.00027; ESP Exome Variant Server 0.00069.
gnomAD v4.1: 637 of 1,613,832 alleles (0.039%); highest among the groups gnomAD compares: Non-Finnish European, 0.051%; no homozygotes.

Submissions (3):

Labcorp Genetics (formerly Invitae), Labcorp
Classification: Uncertain significance for Cataract 6 multiple types. Last evaluated: 2024-01-25. Review status: criteria provided, single submitter. Criteria: Invitae Variant Classification Sherloc (09022015). Collection method: clinical testing. Allele origin: germline.
Comment: This sequence change replaces glycine, which is neutral and non-polar, with serine, which is neutral and polar, at codon 662 of the EPHA2 protein (p.Gly662Ser). This variant is present in population databases (rs144342633, gnomAD 0.04%). This variant has not been reported in the literature in individuals affected with EPHA2-related conditions. ClinVar contains an entry for this variant (Variation ID: 293416). Advanced modeling of protein sequence and biophysical properties (such as structural, functional, and spatial information, amino acid conservation, physicochemical variation, residue mobility, and thermodynamic stability) performed at Invitae indicates that this missense variant is not expected to disrupt EPHA2 protein function with a negative predictive value of 95%. In summary, the available evidence is currently insufficient to determine the role of this variant in disease. Therefore, it has been classified as a Variant of Uncertain Significance.

Illumina Laboratory Services, Illumina
Classification: Benign for Cataract 6 multiple types. Last evaluated: 2018-01-13. Review status: criteria provided, single submitter. Criteria: ICSL Variant Classification Criteria 13 December 2019. Collection method: clinical testing. Allele origin: germline.
Comment: This variant was observed in the ICSL laboratory as part of a predisposition screen in an ostensibly healthy population. It had not been previously curated by ICSL or reported in the Human Gene Mutation Database (HGMD: prior to June 1st, 2018), and was therefore a candidate for classification through an automated scoring system. Utilizing variant allele frequency, disease prevalence and penetrance estimates, and inheritance mode, an automated score was calculated to assess if this variant is too frequent to cause the disease. Based on the score and internal cut-off values, a variant classified as benign is not then subjected to further curation. The score for this variant resulted in a classification of benign for this disease.

PreventionGenetics, part of Exact Sciences
Classification: Uncertain significance for EPHA2-related condition. Last evaluated: 2024-07-05. Review status: no assertion criteria provided. Collection method: clinical testing. Allele origin: germline. Not counted in ClinVar's aggregate classification.
Comment: The EPHA2 c.1984G>A variant is predicted to result in the amino acid substitution p.Gly662Ser. To our knowledge, this variant has not been reported in the literature. This variant is reported in 0.041% of alleles in individuals of European (Non-Finnish) descent in gnomAD. Although we suspect that this variant may be benign, at this time, the clinical significance of this variant is uncertain due to the absence of conclusive functional and genetic evidence.

NM_004431.5(EPHA2):c.1984G>A (p.Gly662Ser)

Gene: EPHA2 (EPH receptor A2; minus strand). Cytogenetic location: 1p36.13.
Variant type: single nucleotide variant.
Coding change: c.1984G>A on transcript NM_004431.5 (MANE Select); coding-DNA position 1984, G replaced by A.
Protein change: p.Gly662Ser; replaces glycine 662 with serine.
Molecular consequence: missense variant.
Genome position (GRCh38, 1-based): chr1:16,133,249, C>T on the plus strand (G>A on the coding strand, the complement: EPHA2 is on the minus strand). VCF-style: chr1-16133249-C-T. GRCh37 (hg19) VCF-style: chr1-16459744-C-T.
Other names: c.1984G>A (NM_004431.4); c.1822G>A, p.Gly608Ser (NM_001329090.2); short protein forms G662S, G608S.
Identifiers: ClinVar variation 293416 (VCV000293416.11), dbSNP rs144342633, ClinGen allele CA624984.
Genomic context (GRCh38, chr1:16,133,249, plus strand): 5'-TGACGCCCTCTAGGCGGATGATGTTGTGGTGGCTGAACTGGCCCATGATGCCGGCCTCGC[C>T]GAGGAAGTCCACTCGCTGCTTCTCTGTGTAGCCGGCTTTCAGCGTCTTGATGGCCACCGG-3'
Protein context (NP_004422.2, residues 652-672): YTEKQRVDFL[Gly662Ser]EAGIMGQFSH